The following is an entry in ClinVar:

NM_031935.3(HMCN1):c.14897-5C>A

Gene: HMCN1 (hemicentin 1; plus strand). Cytogenetic location: 1q31.1.
Variant type: single nucleotide variant.
Coding change: c.14897-5C>A on transcript NM_031935.3 (MANE Select); 5 bases into the intron before coding-DNA position 14897, C replaced by A.
Molecular consequence: intron variant.
Genome position (GRCh38, 1-based): chr1:186,152,745, C>A. VCF-style: chr1-186152745-C-A. GRCh37 (hg19) VCF-style: chr1-186121877-C-A.
Identifiers: ClinVar variation 1975689 (VCV001975689.5), dbSNP rs1650754133, ClinGen allele CA2580061703.

ClinVar aggregate classification (germline): Uncertain significance (1 of 4 stars; one submission).

Submission:

Labcorp Genetics (formerly Invitae), Labcorp
Classification: Uncertain significance. Last evaluated: 2022-04-15. Review status: criteria provided, single submitter. Criteria: Invitae Variant Classification Sherloc (09022015). Collection method: clinical testing. Allele origin: germline.
Comment: Algorithms developed to predict the effect of sequence changes on RNA splicing suggest that this variant may create or strengthen a splice site. This variant has not been reported in the literature in individuals affected with HMCN1-related conditions. This variant is not present in population databases (gnomAD no frequency). This sequence change falls in intron 95 of the HMCN1 gene. It does not directly change the encoded amino acid sequence of the HMCN1 protein. In summary, the available evidence is currently insufficient to determine the role of this variant in disease. Therefore, it has been classified as a Variant of Uncertain Significance.